The following is an entry in ClinVar:

ClinVar aggregate classification (germline): Uncertain significance (1 of 4 stars; one submission).

Submission:

Labcorp Genetics (formerly Invitae), Labcorp
Classification: Uncertain significance. Last evaluated: 2023-10-14. Review status: criteria provided, single submitter. Criteria: Invitae Variant Classification Sherloc (09022015). Collection method: clinical testing. Allele origin: germline.
Comment: This sequence change replaces cysteine, which is neutral and slightly polar, with tyrosine, which is neutral and polar, at codon 607 of the TNFAIP3 protein (p.Cys607Tyr). This variant is not present in population databases (gnomAD no frequency). This variant has not been reported in the literature in individuals affected with TNFAIP3-related conditions. Advanced modeling of protein sequence and biophysical properties (such as structural, functional, and spatial information, amino acid conservation, physicochemical variation, residue mobility, and thermodynamic stability) performed at Invitae indicates that this missense variant is expected to disrupt TNFAIP3 protein function. In summary, the available evidence is currently insufficient to determine the role of this variant in disease. Therefore, it has been classified as a Variant of Uncertain Significance.

NM_001270508.2(TNFAIP3):c.1820G>A (p.Cys607Tyr)

Gene: TNFAIP3 (TNF alpha induced protein 3; plus strand). Cytogenetic location: 6q23.3.
Variant type: single nucleotide variant.
Coding change: c.1820G>A on transcript NM_001270508.2 (MANE Select); coding-DNA position 1820, G replaced by A.
Protein change: p.Cys607Tyr; replaces cysteine 607 with tyrosine.
Molecular consequence: missense variant.
Genome position (GRCh38, 1-based): chr6:137,879,265, G>A. VCF-style: chr6-137879265-G-A. GRCh37 (hg19) VCF-style: chr6-138200402-G-A.
Other names: c.1820G>A, p.Cys607Tyr (NM_001270507.2, NM_006290.4); short protein forms C607Y.
Identifiers: ClinVar variation 2768504 (VCV002768504.3), dbSNP rs2114505804, ClinGen allele CA365793665.